The following is an entry in ClinVar:

ClinVar aggregate classification (germline): Uncertain significance. Review status: criteria provided, multiple submitters, no conflicts (2 of 4 stars). 2 submissions from 2 submitters: Uncertain significance (2). Last evaluated 2024-01-15.

Conditions:
Dyskeratosis congenita, autosomal dominant 6 (DKCA6). Identifiers: Orphanet 3322, MedGen C4225284, MONDO:0014690, OMIM 616553.
Inborn genetic diseases. Identifiers: MedGen C0950123, MeSH D030342.

Allele frequency attached by ClinVar (database versions not stated): TOPMed below 0.00001; ExAC 0.00001; gnomAD exomes 0.00001.

Submissions (2):

Labcorp Genetics (formerly Invitae), Labcorp
Classification: Uncertain significance for Dyskeratosis congenita, autosomal dominant 6. Last evaluated: 2024-01-15. Review status: criteria provided, single submitter. Criteria: Invitae Variant Classification Sherloc (09022015). Collection method: clinical testing. Allele origin: germline.
Comment: This sequence change replaces arginine, which is basic and polar, with tryptophan, which is neutral and slightly polar, at codon 262 of the ACD protein (p.Arg262Trp). This variant is present in population databases (rs758515562, gnomAD 0.003%). This variant has not been reported in the literature in individuals affected with ACD-related conditions. ClinVar contains an entry for this variant (Variation ID: 1760882). Advanced modeling of protein sequence and biophysical properties (such as structural, functional, and spatial information, amino acid conservation, physicochemical variation, residue mobility, and thermodynamic stability) performed at Invitae indicates that this missense variant is not expected to disrupt ACD protein function with a negative predictive value of 80%. In summary, the available evidence is currently insufficient to determine the role of this variant in disease. Therefore, it has been classified as a Variant of Uncertain Significance.

Ambry Genetics
Classification: Uncertain significance for Inborn genetic diseases. Last evaluated: 2023-09-10. Review status: criteria provided, single submitter. Criteria: Ambry Variant Classification Scheme 2023. Collection method: clinical testing. Allele origin: germline.
Comment: The p.R262W variant (also known as c.784C>T), located in coding exon 7 of the ACD gene, results from a C to T substitution at nucleotide position 784. The arginine at codon 262 is replaced by tryptophan, an amino acid with dissimilar properties. This amino acid position is conserved. In addition, this alteration is predicted to be tolerated by in silico analysis. Since supporting evidence is limited at this time, the clinical significance of this alteration remains unclear.

NM_001082486.2(ACD):c.526C>T (p.Arg176Trp)

Gene: ACD (ACD shelterin complex subunit and telomerase recruitment factor; minus strand). Cytogenetic location: 16q22.1.
Variant type: single nucleotide variant.
Coding change: c.526C>T on transcript NM_001082486.2 (MANE Select); coding-DNA position 526, C replaced by T.
Protein change: p.Arg176Trp; replaces arginine 176 with tryptophan.
Molecular consequence: missense variant.
Genome position (GRCh38, 1-based): chr16:67,659,047, G>A on the plus strand (C>T on the coding strand, the complement: ACD is on the minus strand). VCF-style: chr16-67659047-G-A. GRCh37 (hg19) VCF-style: chr16-67692950-G-A.
Other names: c.526C>T, p.Arg176Trp (NM_001410884.1); c.517C>T, p.Arg173Trp (NM_022914.3); short protein forms R173W, R176W.
Identifiers: ClinVar variation 1760882 (VCV001760882.6), dbSNP rs758515562, ClinGen allele CA8114631.